The following is an entry in ClinVar:

NM_001365902.3(NFIX):c.317C>T (p.Ser106Phe)

Gene: NFIX (nuclear factor I X; plus strand). Cytogenetic location: 19p13.13.
Variant type: single nucleotide variant.
Coding change: c.317C>T on transcript NM_001365902.3 (MANE Select); coding-DNA position 317, C replaced by T.
Protein change: p.Ser106Phe; replaces serine 106 with phenylalanine.
Molecular consequence: missense variant.
Genome position (GRCh38, 1-based): chr19:13,025,310, C>T. VCF-style: chr19-13025310-C-T. GRCh37 (hg19) VCF-style: chr19-13136124-C-T.
Other names: c.341C>T, p.Ser114Phe (NM_001271043.2); c.293C>T, p.Ser98Phe (NM_001271044.3, NM_001378404.1); c.317C>T, p.Ser106Phe (NM_001365982.2, NM_002501.4); c.176C>T, p.Ser59Phe (NM_001365983.2); c.314C>T, p.Ser105Phe (NM_001365984.2, NM_001365985.2); c.365C>T, p.Ser122Phe (NM_001378405.1); short protein forms S105F, S106F, S114F, S122F, S59F, S98F.
Identifiers: ClinVar variation 1805245 (VCV001805245.3), dbSNP rs2512745237, ClinGen allele CA404314239.

ClinVar aggregate classification (germline): Pathogenic/Likely pathogenic. Review status: criteria provided, multiple submitters, no conflicts (2 of 4 stars). 2 submissions from 2 submitters: Pathogenic (1); Likely pathogenic (1). Last evaluated 2024-03-04.

Conditions:
Malan overgrowth syndrome (MALNS). Also called: NFIX-Related Malan Syndrome; Sotos syndrome 2; MALAN SYNDROME. Identifiers: Orphanet 420179, MedGen C3553660, MONDO:0013885, OMIM 614753.

Submissions (2):

GeneDx
Classification: Likely pathogenic. Last evaluated: 2024-03-04. Review status: criteria provided, single submitter. Criteria: GeneDx Variant Classification Process June 2021. Collection method: clinical testing. Allele origin: germline. Affected: yes.
Comment: Not observed at significant frequency in large population cohorts (gnomAD); In silico analysis supports that this missense variant has a deleterious effect on protein structure/function; This variant is associated with the following publications: (PMID: 24924640, 22982744, 28475857, 29897170)

Victorian Clinical Genetics Services, Murdoch Childrens Research Institute
Classification: Pathogenic for Malan overgrowth syndrome. Last evaluated: 2022-02-02. Review status: criteria provided, single submitter. Criteria: ACMG Guidelines, 2015. Collection method: clinical testing. Allele origin: germline. Inheritance: Autosomal dominant inheritance. Affected: yes.
Comment: Based on the classification scheme VCGS_Germline_v1.3.4, this variant is classified as Pathogenic. Following criteria are met: 0102 - Loss of function is a known mechanism of disease in this gene and is associated with Sotos syndrome 2 (MIM#614753) (also known as Malan overgrowth syndrome, MONDO#0013885) and dominant negative is a suspected mechanism for Marshall-Smith syndrome (MIM#602535) (PMID: 24924640). (I) 0107 - This gene is associated with autosomal dominant disease. (I) 0200 - Variant is predicted to result in a missense amino acid change from serine to phenylalanine. (I) 0251 - This variant is heterozygous. (I) 0301 - Variant is absent from gnomAD (both v2 and v3). (SP) 0501 - Missense variant consistently predicted to be damaging by multiple in silico tools or highly conserved with a major amino acid change. (SP) 0602 - Variant is located in a hotspot region. Malan overgrowth syndrome is caused by deletions or missense mutations clustered mostly in exon 2 (PMID: 29897170). (SP) 0704 - Another missense variant comparable to the one identified in this case has limited previous evidence for pathogenicity. An alternative change to a proline has been reported once as likely pathogenic in ClinVar. (SP) 0803 - This variant has limited previous evidence of pathogenicity in two unrelated individuals, one with macrocephaly and moderate intellectual disability and the other one with Malan syndrome (PMID: 28475857, 29897170). (SP) 0905 - No published segregation evidence has been identified for this variant. (I) 1007 - No published functional evidence has been identified for this variant. (SP) Legend: (SP) - Supporting pathogenic, (I) - Information, (SB) - Supporting benign

Literature cited by the submitters: PubMed 24924640 (cited by Victorian Clinical Genetics Services, Murdoch Childrens Research Institute); PubMed 28475857 (cited by Victorian Clinical Genetics Services, Murdoch Childrens Research Institute); PubMed 29897170 (cited by Victorian Clinical Genetics Services, Murdoch Childrens Research Institute).